The following is an entry in ClinVar:

ClinVar aggregate classification (germline): Uncertain significance (1 of 4 stars; one submission).

Submission:

Labcorp Genetics (formerly Invitae), Labcorp
Classification: Uncertain significance. Last evaluated: 2022-07-23. Review status: criteria provided, single submitter. Criteria: Invitae Variant Classification Sherloc (09022015). Collection method: clinical testing. Allele origin: germline.
Comment: In summary, the available evidence is currently insufficient to determine the role of this variant in disease. Therefore, it has been classified as a Variant of Uncertain Significance. Algorithms developed to predict the effect of sequence changes on RNA splicing suggest that this variant may create or strengthen a splice site. This variant has not been reported in the literature in individuals affected with GNAT1-related conditions. This variant is not present in population databases (gnomAD no frequency). This sequence change affects codon 30 of the GNAT1 mRNA. It is a 'silent' change, meaning that it does not change the encoded amino acid sequence of the GNAT1 protein.

NM_144499.3(GNAT1):c.90G>T (p.Val30=)

Gene: GNAT1 (G protein subunit alpha transducin 1; plus strand). Cytogenetic location: 3p21.31.
Variant type: single nucleotide variant.
Coding change: c.90G>T on transcript NM_144499.3 (MANE Select); coding-DNA position 90, G replaced by T.
Protein change: p.Val30=; no amino-acid change (valine 30 retained).
Molecular consequence: synonymous variant.
Genome position (GRCh38, 1-based): chr3:50,191,815, G>T. VCF-style: chr3-50191815-G-T. GRCh37 (hg19) VCF-style: chr3-50229248-G-T.
Other names: c.90G>T, p.Val30= (NM_000172.4).
Identifiers: ClinVar variation 2019341 (VCV002019341.4), dbSNP rs2546141985, ClinGen allele CA433681278.